The following is an entry in ClinVar:

NM_001278512.2(AP3B2):c.1324C>T (p.Arg442Ter)

Genes: AP3B2 (adaptor related protein complex 3 subunit beta 2; minus strand), CPEB1-AS1 (CPEB1 antisense RNA 1; plus strand). Cytogenetic location: 15q25.2.
Variant type: single nucleotide variant.
Coding change: c.1324C>T on transcript NM_001278512.2 (MANE Select); coding-DNA position 1324, C replaced by T.
Protein change: p.Arg442Ter; replaces arginine 442 with a stop codon.
Molecular consequence: nonsense.
Genome position (GRCh38, 1-based): chr15:82,677,725, G>A on the plus strand (C>T on the coding strand, the complement: AP3B2 is on the minus strand). VCF-style: chr15-82677725-G-A. GRCh37 (hg19) VCF-style: chr15-83346477-G-A.
Other names: c.1228C>T, p.Arg410Ter (NM_001278511.2); c.1324C>T, p.Arg442Ter (NM_004644.5); short protein forms R410*, R442*.
Identifiers: ClinVar variation 4851448 (VCV004851448.1).

ClinVar aggregate classification (germline): Likely pathogenic (1 of 4 stars; one submission).

Conditions:
Developmental and epileptic encephalopathy, 48 (DEE48). Also called: Epileptic encephalopathy, early infantile, 48. Identifiers: MedGen C4310637, MONDO:0015000, OMIM 617276.

gnomAD v4.1: 4 of 1,607,096 alleles (0.00025%); highest among the groups gnomAD compares: Admixed American, 0.0034%; no homozygotes.

Submission:

Institute of Immunology and Genetics Kaiserslautern
Classification: Likely pathogenic for Developmental and epileptic encephalopathy, 48. Last evaluated: 2025-12-16. Review status: criteria provided, single submitter. Criteria: ACMG Guidelines, 2015. Collection method: clinical testing. Allele origin: germline. Affected: yes.
Comment: ACMG Criteria: PVS1, PM2; Variant was found in homozygous state.